The following is an entry in ClinVar:

NM_001374736.1(DST):c.13161G>A (p.Val4387=)

Gene: DST (dystonin; minus strand). Cytogenetic location: 6p12.1.
Variant type: single nucleotide variant.
Coding change: c.13161G>A on transcript NM_001374736.1 (MANE Select); coding-DNA position 13161, G replaced by A.
Protein change: p.Val4387=; no amino-acid change (valine 4387 retained).
Molecular consequence: synonymous variant.
Genome position (GRCh38, 1-based): chr6:56,573,754, C>T on the plus strand (G>A on the coding strand, the complement: DST is on the minus strand). VCF-style: chr6-56573754-C-T. GRCh37 (hg19) VCF-style: chr6-56438552-C-T.
Other names: c.6804G>A, p.Val2268= (NM_001144769.5); c.6390G>A, p.Val2130= (NM_001144770.2); c.13161G>A, p.Val4387= (NM_001374722.1); c.12528G>A, p.Val4176= (NM_001374729.1); c.6270G>A, p.Val2090= (NM_001374730.1, NM_001386100.1, NM_183380.4); c.13188G>A, p.Val4396= (NM_001374734.1); c.5292G>A, p.Val1764= (NM_015548.5).
Identifiers: ClinVar variation 3748833 (VCV003748833.2).

ClinVar aggregate classification (germline): Uncertain significance (1 of 4 stars; one submission).

Conditions:
Hereditary sensory and autonomic neuropathy type 6. Also called: HSAN VI; Neuropathy, hereditary sensory and autonomic, type VI. Identifiers: Orphanet 314381, MedGen C3539003, MONDO:0013839, OMIM 614653.
Epidermolysis bullosa simplex 3, localized or generalized intermediate, with BP230 deficiency (EBS3). Also called: Epidermolysis bullosa simplex due to BP230 deficiency; Epidermolysis bullosa simplex, autosomal recessive 2. Identifiers: Orphanet 412181, MedGen C3809470, MONDO:0014180, OMIM 615425.

gnomAD v4.1: 1 of 1,613,608 alleles (0.000062%); highest among the groups gnomAD compares: Non-Finnish European, 0.000085%; no homozygotes.

Submission:

Labcorp Genetics (formerly Invitae), Labcorp
Classification: Uncertain significance for Epidermolysis bullosa simplex 3, localized or generalized intermediate, with BP230 deficiency; Hereditary sensory and autonomic neuropathy type 6. Last evaluated: 2024-08-01. Review status: criteria provided, single submitter. Criteria: Invitae Variant Classification Sherloc (09022015). Collection method: clinical testing. Allele origin: germline.
Comment: The DST gene has multiple clinically relevant transcripts. This variant occurs in alternate transcript NM_015548.4, and corresponds toNM_001723.5:c.*41763G>A in the primary transcript. This sequence change affects codon 1764 of the DST mRNA. It is a 'silent' change, meaning that it does not change the encoded amino acid sequence of the DST protein. This variant is not present in population databases (gnomAD no frequency). This variant has not been reported in the literature in individuals affected with DST-related conditions. Experimental studies and prediction algorithms are not available or were not evaluated, and the effect of this variant on mRNA splicing is currently unknown. In summary, the available evidence is currently insufficient to determine the role of this variant in disease. Therefore, it has been classified as a Variant of Uncertain Significance.